The following is an entry in ClinVar:

NM_006231.4(POLE):c.3126_3127delinsTT (p.Lys1042Asn)

Gene: POLE (DNA polymerase epsilon, catalytic subunit; minus strand). Cytogenetic location: 12q24.33.
Variant type: Indel.
Coding change: c.3126_3127delinsTT on transcript NM_006231.4 (MANE Select); coding-DNA positions 3126 to 3127, GC replaced by TT.
Protein change: p.Lys1042Asn; replaces lysine 1042 with asparagine.
Molecular consequence: missense variant.
Genome position (GRCh38, 1-based): chr12:132,659,443-132,659,444, GC replaced by AA on the plus strand (GC replaced by TT on the coding strand, the reverse complement: POLE is on the minus strand). VCF-style: chr12-132659443-GC-AA. GRCh37 (hg19) VCF-style: chr12-133236029-GC-AA.
Other names: short protein forms K1042N.
Identifiers: ClinVar variation 3651554 (VCV003651554.2).

ClinVar aggregate classification (germline): Uncertain significance (1 of 4 stars; one submission).

Submission:

Labcorp Genetics (formerly Invitae), Labcorp
Classification: Uncertain significance. Last evaluated: 2024-04-29. Review status: criteria provided, single submitter. Criteria: Invitae Variant Classification Sherloc (09022015). Collection method: clinical testing. Allele origin: germline.
Comment: This sequence change replaces lysine, which is basic and polar, with asparagine, which is neutral and polar, at codon 1042 of the POLE protein (p.Lys1042Asn). Information on the frequency of this variant in the gnomAD database is not available, as this variant may be reported differently in the database. This variant has not been reported in the literature in individuals affected with POLE-related conditions. Experimental studies and prediction algorithms are not available or were not evaluated, and the functional significance of this variant is currently unknown. In summary, the available evidence is currently insufficient to determine the role of this variant in disease. Therefore, it has been classified as a Variant of Uncertain Significance.